The following is an entry in ClinVar:

ClinVar aggregate classification (germline): Uncertain significance. Review status: criteria provided, multiple submitters, no conflicts (2 of 4 stars). 2 submissions from 2 submitters: Uncertain significance (2). Last evaluated 2023-10-19.

Conditions:
Lymphoproliferative syndrome 1 (LPFS1). Identifiers: Orphanet 238505, Orphanet 538963, MedGen C3552634, MONDO:0013081, OMIM 613011.

Submissions (2):

Mayo Clinic Laboratories, Mayo Clinic
Classification: Uncertain significance. Last evaluated: 2023-10-19. Review status: criteria provided, single submitter. Criteria: ACMG Guidelines, 2015. Collection method: clinical testing. Allele origin: germline. Observed: 1 variant allele.
Comment: PM2

Labcorp Genetics (formerly Invitae), Labcorp
Classification: Uncertain significance for Lymphoproliferative syndrome 1. Last evaluated: 2020-05-24. Review status: criteria provided, single submitter. Criteria: Invitae Variant Classification Sherloc (09022015). Collection method: clinical testing. Allele origin: germline.
Comment: This variant has not been reported in the literature in individuals with ITK-related conditions. This variant is present in population databases (rs775741366, ExAC 0.02%). This sequence change replaces methionine with isoleucine at codon 126 of the ITK protein (p.Met126Ile). The methionine residue is moderately conserved and there is a small physicochemical difference between methionine and isoleucine. Algorithms developed to predict the effect of missense changes on protein structure and function output the following: SIFT: "Tolerated"; PolyPhen-2: "Benign"; Align-GVGD: "Class C0". The isoleucine amino acid residue is found in multiple mammalian species, suggesting that this missense change does not adversely affect protein function. These predictions have not been confirmed by published functional studies and their clinical significance is uncertain. In summary, the available evidence is currently insufficient to determine the role of this variant in disease. Therefore, it has been classified as a Variant of Uncertain Significance. Algorithms developed to predict the effect of sequence changes on RNA splicing suggest that this variant may create or strengthen a splice site, but this prediction has not been confirmed by published transcriptional studies.

NM_005546.4(ITK):c.378G>A (p.Met126Ile)

Gene: ITK (IL2 inducible T cell kinase; plus strand). Cytogenetic location: 5q33.3.
Variant type: single nucleotide variant.
Coding change: c.378G>A on transcript NM_005546.4 (MANE Select); coding-DNA position 378, G replaced by A.
Protein change: p.Met126Ile; replaces methionine 126 with isoleucine.
Molecular consequence: missense variant.
Genome position (GRCh38, 1-based): chr5:157,214,243, G>A. VCF-style: chr5-157214243-G-A. GRCh37 (hg19) VCF-style: chr5-156641254-G-A.
Other names: p.Met126Ile; c.378G>A (NM_005546.3); short protein forms M126I.
Identifiers: ClinVar variation 1010930 (VCV001010930.9), dbSNP rs775741366, ClinGen allele CA3532736.
Genomic context (GRCh38, chr5:157,214,243, plus strand): 5'-TGTTTCAGAAACGAGGAATAATAACAGTTTGGTGCCTAAATATCATCCTAATTTCTGGAT[G>A]GATGGGAAGTGGAGGTGCTGTTCTCAGCTGGAGAAGCTTGCAACAGGCTGTGCCCAATAT-3'
Protein context (NP_005537.3, residues 116-136): LVPKYHPNFW[Met126Ile]DGKWRCCSQL